The following is an entry in ClinVar:

ClinVar aggregate classification (germline): Conflicting classifications of pathogenicity. Review status: criteria provided, conflicting classifications (1 of 4 stars). 2 submissions from 2 submitters: Uncertain significance (1); Likely benign (1). Last evaluated 2026-09-01.

Conditions:
Inborn genetic diseases. Identifiers: MedGen C0950123, MeSH D030342.

gnomAD v4.1: 72 of 1,613,820 alleles (0.0045%); highest among the groups gnomAD compares: Middle Eastern, 0.016%; no homozygotes.

Submissions (2):

CeGaT Center for Human Genetics Tuebingen
Classification: Likely benign. Last evaluated: 2026-09-01. Review status: criteria provided, single submitter. Criteria: CeGaT Center For Human Genetics Tuebingen Variant Classification Criteria Version 2. Collection method: clinical testing. Allele origin: germline. Affected: yes. Observed: 1 variant allele.
Comment: MED12L: BP4, BS2

Ambry Genetics
Classification: Uncertain significance for Inborn genetic diseases. Last evaluated: 2025-06-09. Review status: criteria provided, single submitter. Criteria: Ambry Variant Classification Scheme 2023. Collection method: clinical testing. Allele origin: germline.

NM_001393769.1(MED12L):c.3740A>G (p.Asp1247Gly)

Genes: MED12L (mediator complex subunit 12L; plus strand), P2RY12 (purinergic receptor P2Y12; minus strand). Cytogenetic location: 3q25.1.
Variant type: single nucleotide variant.
Coding change: c.3740A>G on transcript NM_001393769.1 (MANE Select); coding-DNA position 3740, A replaced by G.
Protein change: p.Asp1247Gly; replaces aspartic acid 1247 with glycine.
Molecular consequence: missense variant. On other transcripts: intron variant (1).
Genome position (GRCh38, 1-based): chr3:151,372,642, A>G. VCF-style: chr3-151372642-A-G. GRCh37 (hg19) VCF-style: chr3-151090430-A-G.
Other names: c.3635A>G, p.Asp1212Gly (NM_053002.6); c.-180+12050T>C (NM_022788.5); short protein forms D1212G, D1247G.
Identifiers: ClinVar variation 4053406 (VCV004053406.2).